The following is an entry in ClinVar:

ClinVar aggregate classification (germline): Uncertain significance (1 of 4 stars; one submission).

Conditions:
Hereditary spastic paraplegia 7 (SPG7). Also called: SPG7-related neurologic disorder; Spastic paraplegia 7; Hereditary spastic paraplegia Paraplegin type; Autosomal recessive spastic paraplegia type 7; SPASTIC PARAPLEGIA 7, AUTOSOMAL RECESSIVE, WITH OR WITHOUT CEREBELLAR ATAXIA. Identifiers: Orphanet 99013, MedGen C1846564, MONDO:0011803, OMIM 607259.

Submission:

Labcorp Genetics (formerly Invitae), Labcorp
Classification: Uncertain significance for Hereditary spastic paraplegia 7. Last evaluated: 2023-03-29. Review status: criteria provided, single submitter. Criteria: Invitae Variant Classification Sherloc (09022015). Collection method: clinical testing. Allele origin: germline.
Comment: In summary, the available evidence is currently insufficient to determine the role of this variant in disease. Therefore, it has been classified as a Variant of Uncertain Significance. Advanced modeling of protein sequence and biophysical properties (such as structural, functional, and spatial information, amino acid conservation, physicochemical variation, residue mobility, and thermodynamic stability) performed at Invitae indicates that this missense variant is not expected to disrupt SPG7 protein function. This variant has not been reported in the literature in individuals affected with SPG7-related conditions. This variant is not present in population databases (gnomAD no frequency). This sequence change replaces methionine, which is neutral and non-polar, with isoleucine, which is neutral and non-polar, at codon 44 of the SPG7 protein (p.Met44Ile).

NM_003119.4(SPG7):c.132G>A (p.Met44Ile)

Genes: SPG7 (SPG7 matrix AAA peptidase subunit, paraplegin; plus strand), LOC130059818 (ATAC-STARR-seq lymphoblastoid silent region 7911; plus strand). Cytogenetic location: 16q24.3.
Variant type: single nucleotide variant.
Coding change: c.132G>A on transcript NM_003119.4 (MANE Select); coding-DNA position 132, G replaced by A.
Protein change: p.Met44Ile; replaces methionine 44 with isoleucine.
Molecular consequence: missense variant.
Genome position (GRCh38, 1-based): chr16:89,508,549, G>A. VCF-style: chr16-89508549-G-A. GRCh37 (hg19) VCF-style: chr16-89574957-G-A.
Other names: c.132G>A, p.Met44Ile (NM_001363850.1, NM_199367.3); short protein forms M44I.
Identifiers: ClinVar variation 2876489 (VCV002876489.3), dbSNP rs2543662288, ClinGen allele CA397416050.